The following is an entry in ClinVar:

ClinVar aggregate classification (germline): Uncertain significance (1 of 4 stars; one submission).

Conditions:
Mitochondrial complex II deficiency, nuclear type 1. Also called: SUCCINATE CoQ REDUCTASE DEFICIENCY. Identifiers: Orphanet 3208, MedGen C5700310, MONDO:0100294, OMIM 252011.
Pheochromocytoma/paraganglioma syndrome 5. Also called: Paragangliomas 5; SDHA-Related Hereditary Paraganglioma-Pheochromocytoma Syndrome. Identifiers: Orphanet 29072, MedGen C3279992, MONDO:0013602, OMIM 614165.

Submission:

Labcorp Genetics (formerly Invitae), Labcorp
Classification: Uncertain significance for Pheochromocytoma/paraganglioma syndrome 5; Mitochondrial complex II deficiency, nuclear type 1. Last evaluated: 2025-03-09. Review status: criteria provided, single submitter. Criteria: Invitae Variant Classification Sherloc (09022015). Collection method: clinical testing. Allele origin: germline.
Comment: This sequence change replaces glutamic acid, which is acidic and polar, with aspartic acid, which is acidic and polar, at codon 564 of the SDHA protein (p.Glu564Asp). This variant is not present in population databases (gnomAD no frequency). This variant has not been reported in the literature in individuals affected with SDHA-related conditions. Invitae Evidence Modeling of protein sequence and biophysical properties (such as structural, functional, and spatial information, amino acid conservation, physicochemical variation, residue mobility, and thermodynamic stability) has been performed for this missense variant. However, the output from this modeling did not meet the statistical confidence thresholds required to predict the impact of this variant on SDHA protein function. In summary, the available evidence is currently insufficient to determine the role of this variant in disease. Therefore, it has been classified as a Variant of Uncertain Significance.

NM_004168.4(SDHA):c.1692G>T (p.Glu564Asp)

Gene: SDHA (succinate dehydrogenase complex flavoprotein subunit A; plus strand). Cytogenetic location: 5p15.33.
Variant type: single nucleotide variant.
Coding change: c.1692G>T on transcript NM_004168.4 (MANE Select); coding-DNA position 1692, G replaced by T.
Protein change: p.Glu564Asp; replaces glutamic acid 564 with aspartic acid.
Molecular consequence: missense variant. On other transcripts: intron variant (1).
Genome position (GRCh38, 1-based): chr5:251,366, G>T. VCF-style: chr5-251366-G-T. GRCh37 (hg19) VCF-style: chr5-251481-G-T.
Other names: c.1548G>T, p.Glu516Asp (NM_001294332.2); c.1552-3027G>T (NM_001330758.2); short protein forms E516D, E564D.
Identifiers: ClinVar variation 4789772 (VCV004789772.1).